The following is an entry in ClinVar:

NM_001161352.2(KCNMA1):c.655A>G (p.Met219Val)

Gene: KCNMA1 (potassium calcium-activated channel subfamily M alpha 1; minus strand). Cytogenetic location: 10q22.3.
Variant type: single nucleotide variant.
Coding change: c.655A>G on transcript NM_001161352.2 (MANE Select); coding-DNA position 655, A replaced by G.
Protein change: p.Met219Val; replaces methionine 219 with valine.
Molecular consequence: missense variant.
Genome position (GRCh38, 1-based): chr10:77,184,864, T>C on the plus strand (A>G on the coding strand, the complement: KCNMA1 is on the minus strand). VCF-style: chr10-77184864-T-C. GRCh37 (hg19) VCF-style: chr10-78944622-T-C.
Other names: c.655A>G, p.Met219Val (NM_001014797.3, NM_001161353.2, NM_001271519.2 and 8 more transcripts); c.493A>G, p.Met165Val (NM_001271518.2); c.115A>G, p.Met39Val (NM_001322838.2); short protein forms M165V, M219V, M39V.
Identifiers: ClinVar variation 3573712 (VCV003573712.1).

ClinVar aggregate classification (germline): Uncertain significance (1 of 4 stars; one submission).

Submission:

GeneDx
Classification: Uncertain significance. Last evaluated: 2024-07-16. Review status: criteria provided, single submitter. Criteria: GeneDx Variant Classification Process June 2021. Collection method: clinical testing. Allele origin: germline. Affected: yes.
Comment: Not observed at significant frequency in large population cohorts (gnomAD); In silico analysis indicates that this missense variant does not alter protein structure/function; Has not been previously published as pathogenic or benign to our knowledge